The following is an entry in ClinVar:

NM_000410.4(HFE):c.107G>A (p.Gly36Asp)

Genes: HFE (homeostatic iron regulator; plus strand), HFE-AS1 (HFE antisense RNA 1; minus strand). Cytogenetic location: 6p22.2.
Variant type: single nucleotide variant.
Coding change: c.107G>A on transcript NM_000410.4 (MANE Select); coding-DNA position 107, G replaced by A.
Protein change: p.Gly36Asp; replaces glycine 36 with aspartic acid.
Molecular consequence: missense variant. On other transcripts: non-coding transcript variant (1), intron variant (5).
Genome position (GRCh38, 1-based): chr6:26,090,871, G>A. VCF-style: chr6-26090871-G-A. GRCh37 (hg19) VCF-style: chr6-26091099-G-A.
Other names: c.107G>A, p.Gly36Asp (NM_001300749.3, NM_001384164.1, NM_001406751.1 and 3 more transcripts); c.77-39G>A (NM_139009.3); c.77-443G>A (NM_139007.3, NM_139008.3); c.77-1814G>A (NM_139010.3); c.77-2248G>A (NM_139011.3); short protein forms G36D.
Identifiers: ClinVar variation 970730 (VCV000970730.5), dbSNP rs1364493082, ClinGen allele CA363204053.
Genomic context (GRCh38, chr6:26,090,871, plus strand): 5'-CATGGTTAAGGCCTGTTGCTCTGTCTCCAGGTTCACACTCTCTGCACTACCTCTTCATGG[G>A]TGCCTCAGAGCAGGACCTTGGTCTTTCCTTGTTTGAAGCTTTGGGCTACGTGGATGACCA-3'
Protein context (NP_000401.1, residues 26-46): RSHSLHYLFM[Gly36Asp]ASEQDLGLSL

ClinVar aggregate classification (germline): Uncertain significance (1 of 4 stars; one submission).

Conditions:
Hereditary hemochromatosis (HFE). Identifiers: MedGen C0392514, MONDO:0006507. Disease mechanism: loss of function.

Allele frequency attached by ClinVar (database versions not stated): TOPMed 0.00001.

Submission:

Labcorp Genetics (formerly Invitae), Labcorp
Classification: Uncertain significance for Hereditary hemochromatosis. Last evaluated: 2021-08-27. Review status: criteria provided, single submitter. Criteria: Invitae Variant Classification Sherloc (09022015). Collection method: clinical testing. Allele origin: germline.
Comment: This sequence change replaces glycine with aspartic acid at codon 36 of the HFE protein (p.Gly36Asp). The glycine residue is highly conserved and there is a moderate physicochemical difference between glycine and aspartic acid. This variant is not present in population databases (ExAC no frequency). This variant has not been reported in the literature in individuals affected with HFE-related conditions. Algorithms developed to predict the effect of missense changes on protein structure and function (SIFT, PolyPhen-2, Align-GVGD) all suggest that this variant is likely to be disruptive. In summary, the available evidence is currently insufficient to determine the role of this variant in disease. Therefore, it has been classified as a Variant of Uncertain Significance.